The following is an entry in ClinVar:

ClinVar aggregate classification (germline): Uncertain significance (1 of 4 stars; one submission).

Allele frequency attached by ClinVar (database versions not stated): gnomAD 0.00001.
gnomAD v4.1: 2 of 1,614,068 alleles (0.00012%); highest among the groups gnomAD compares: Admixed American, 0.0017%; no homozygotes.

Submission:

GeneDx
Classification: Uncertain significance. Last evaluated: 2023-01-24. Review status: criteria provided, single submitter. Criteria: GeneDx Variant Classification Process June 2021. Collection method: clinical testing. Allele origin: germline. Affected: yes.
Comment: Not observed at significant frequency in large population cohorts (gnomAD); In silico analysis supports that this missense variant has a deleterious effect on protein structure/function; Has not been previously published as pathogenic or benign to our knowledge

NM_001256012.3(MYH10):c.2591A>G (p.Gln864Arg)

Genes: MYH10 (myosin heavy chain 10; minus strand), LOC126862486 (BRD4-independent group 4 enhancer GRCh37_chr17:8416542-8417741; plus strand). Cytogenetic location: 17p13.1.
Variant type: single nucleotide variant.
Coding change: c.2591A>G on transcript NM_001256012.3 (MANE Select); coding-DNA position 2591, A replaced by G.
Protein change: p.Gln864Arg; replaces glutamine 864 with arginine.
Molecular consequence: missense variant.
Genome position (GRCh38, 1-based): chr17:8,513,808, T>C on the plus strand (A>G on the coding strand, the complement: MYH10 is on the minus strand). VCF-style: chr17-8513808-T-C. GRCh37 (hg19) VCF-style: chr17-8417126-T-C.
Other names: c.2525A>G, p.Gln842Arg (NM_001256095.2); c.2528A>G, p.Gln843Arg (NM_001375266.1); c.2498A>G, p.Gln833Arg (NM_005964.5); short protein forms Q833R, Q842R, Q843R, Q864R.
Identifiers: ClinVar variation 2573803 (VCV002573803.1), dbSNP rs2081375613, ClinGen allele CA398039136.